The following is an entry in ClinVar:

ClinVar aggregate classification (germline): Likely benign. Review status: criteria provided, multiple submitters, no conflicts (2 of 4 stars). 4 submissions from 4 submitters: Likely benign (4). Last evaluated 2025-02-06.

Conditions:
Cardiovascular phenotype. Identifiers: MedGen CN230736.
RASopathy. Also called: rasopathies; Noonan spectrum disorder. Identifiers: Orphanet 536391, MedGen C5555857, MONDO:0021060.
Noonan syndrome-like disorder with loose anagen hair 1 (NSLH1). Also called: MAZZANTI SYNDROME; TOSTI SYNDROME. Identifiers: Orphanet 2701, MedGen C4478716, MONDO:0054637, OMIM 607721.

Allele frequency attached by ClinVar (database versions not stated): gnomAD exomes 0.00001; TOPMed 0.00001; ExAC 0.00002.
gnomAD v4.1: 16 of 1,613,756 alleles (0.00099%); highest among the groups gnomAD compares: Non-Finnish European, 0.0014%; no homozygotes.

Submissions (4):

Labcorp Genetics (formerly Invitae), Labcorp
Classification: Likely benign for RASopathy. Last evaluated: 2025-02-06. Review status: criteria provided, single submitter. Criteria: Invitae Variant Classification Sherloc (09022015). Collection method: clinical testing. Allele origin: germline.

Ambry Genetics
Classification: Likely benign for Cardiovascular phenotype. Last evaluated: 2022-10-27. Review status: criteria provided, single submitter. Criteria: Ambry Variant Classification Scheme 2023. Collection method: clinical testing. Allele origin: germline.

CeGaT Center for Human Genetics Tuebingen
Classification: Likely benign. Last evaluated: 2022-05-01. Review status: criteria provided, single submitter. Criteria: CeGaT Center For Human Genetics Tuebingen Variant Classification Criteria Version 2. Collection method: clinical testing. Allele origin: germline. Affected: yes. Observed: 1 variant allele.
Comment: SHOC2: BP4, BP7

Illumina Laboratory Services, Illumina
Classification: Likely benign for Noonan syndrome-like disorder with loose anagen hair 1. Last evaluated: 2018-01-12. Review status: criteria provided, single submitter. Criteria: ICSL Variant Classification Criteria 13 December 2019. Collection method: clinical testing. Allele origin: germline.
Comment: This variant was observed in the ICSL laboratory as part of a predisposition screen in an ostensibly healthy population. It had not been previously curated by ICSL or reported in the Human Gene Mutation Database (HGMD: prior to June 1st, 2018), and was therefore a candidate for classification through an automated scoring system. Utilizing variant allele frequency, disease prevalence and penetrance estimates, and inheritance mode, an automated score was calculated to assess if this variant is too frequent to cause the disease. Based on the score and internal cut-off values, a variant classified as likely benign is not then subjected to further curation. The score for this variant resulted in a classification of likely benign for this disease.

NM_007373.4(SHOC2):c.1215A>G (p.Val405=)

Gene: SHOC2 (SHOC2 leucine rich repeat scaffold protein; plus strand). Cytogenetic location: 10q25.2.
Variant type: single nucleotide variant.
Coding change: c.1215A>G on transcript NM_007373.4 (MANE Select); coding-DNA position 1215, A replaced by G.
Protein change: p.Val405=; no amino-acid change (valine 405 retained).
Molecular consequence: synonymous variant. On other transcripts: non-coding transcript variant (1).
Genome position (GRCh38, 1-based): chr10:111,007,584, A>G. VCF-style: chr10-111007584-A-G. GRCh37 (hg19) VCF-style: chr10-112767342-A-G.
Other names: c.1077A>G, p.Val359= (NM_001269039.3); c.1215A>G, p.Val405= (NM_001324336.2, NM_001324337.2).
Identifiers: ClinVar variation 878756 (VCV000878756.38), dbSNP rs749123957, ClinGen allele CA5689731.